The following is an entry in ClinVar:

NM_000179.3(MSH6):c.3646+10T>C

Gene: MSH6 (mutS homolog 6; plus strand). Cytogenetic location: 2p16.3.
Variant type: single nucleotide variant.
Coding change: c.3646+10T>C on transcript NM_000179.3 (MANE Select); 10 bases into the intron after coding-DNA position 3646, T replaced by C.
Molecular consequence: intron variant.
Genome position (GRCh38, 1-based): chr2:47,805,717, T>C. VCF-style: chr2-47805717-T-C. GRCh37 (hg19) VCF-style: chr2-48032856-T-C.
Other names: c.3646+10T>C (NM_001406809.1, NM_001406796.1, NM_001406808.1 and 1 more transcripts); c.2740+10T>C (NM_001406811.1, NM_001406814.1, NM_001281493.2 and 6 more transcripts); c.3349+10T>C (NM_001406805.1, NM_001406797.1, NM_001406801.1 and 10 more transcripts); c.3742+10T>C (NM_001406795.1, NM_001406802.1); c.3652+10T>C (NM_001406813.1); c.3121+10T>C (NM_001406807.1, NM_001406799.1, NM_001406806.1); c.3472+10T>C (NM_001406798.1); c.2782+10T>C (NM_001406803.1); and 7 more.
Identifiers: ClinVar variation 3903792 (VCV003903792.1).

ClinVar aggregate classification (germline): Likely benign (1 of 4 stars; one submission).

Conditions:
Lynch syndrome 5 (LYNCH5). Also called: Colorectal cancer, hereditary nonpolyposis, type 5; Hereditary non-polyposis colorectal cancer, type 5. Identifiers: Orphanet 144, MedGen C1833477, MONDO:0013710, OMIM 614350. Disease mechanism: loss of function.

Submission:

Myriad Genetics, Inc.
Classification: Likely benign for Lynch syndrome 5. Last evaluated: 2025-01-07. Review status: criteria provided, single submitter. Criteria: Myriad Autosomal Dominant, Autosomal Recessive and X-Linked Classification Criteria (2023). Collection method: clinical testing. Allele origin: unknown.
Comment: This variant is considered likely benign. This variant is intronic and is not expected to impact mRNA splicing.